The following is an entry in ClinVar:

ClinVar aggregate classification (germline): Uncertain significance (1 of 4 stars; one submission).

Submission:

Labcorp Genetics (formerly Invitae), Labcorp
Classification: Uncertain significance. Last evaluated: 2024-01-26. Review status: criteria provided, single submitter. Criteria: Invitae Variant Classification Sherloc (09022015). Collection method: clinical testing. Allele origin: germline.
Comment: This sequence change replaces leucine, which is neutral and non-polar, with valine, which is neutral and non-polar, at codon 1126 of the TRRAP protein (p.Leu1126Val). This variant is not present in population databases (gnomAD no frequency). This variant has not been reported in the literature in individuals affected with TRRAP-related conditions. Advanced modeling of protein sequence and biophysical properties (such as structural, functional, and spatial information, amino acid conservation, physicochemical variation, residue mobility, and thermodynamic stability) performed at Invitae indicates that this missense variant is not expected to disrupt TRRAP protein function with a negative predictive value of 80%. In summary, the available evidence is currently insufficient to determine the role of this variant in disease. Therefore, it has been classified as a Variant of Uncertain Significance.

NM_001375524.1(TRRAP):c.3376C>G (p.Leu1126Val)

Gene: TRRAP (transformation/transcription domain associated protein; plus strand). Cytogenetic location: 7q22.1.
Variant type: single nucleotide variant.
Coding change: c.3376C>G on transcript NM_001375524.1 (MANE Select); coding-DNA position 3376, C replaced by G.
Protein change: p.Leu1126Val; replaces leucine 1126 with valine.
Molecular consequence: missense variant.
Genome position (GRCh38, 1-based): chr7:98,930,189, C>G. VCF-style: chr7-98930189-C-G. GRCh37 (hg19) VCF-style: chr7-98527812-C-G.
Other names: c.3376C>G, p.Leu1126Val (NM_001244580.2, NM_003496.4); short protein forms L1126V.
Identifiers: ClinVar variation 2779598 (VCV002779598.3), dbSNP rs2484777106, ClinGen allele CA368299249.
Genomic context (GRCh38, chr7:98,930,189, plus strand): 5'-GAGCTTTGCAAAATCGGGGAGGTGGCCCTAGCTGTGATATTTGATGTTGCAAGTATCATC[C>G]TGGGCTCCAAGGAGAGGGTAAGGAAGGGTTGAGGAGTGTCTTCTGATTTGGAGGGTGTCT-3'
Protein context (NP_001362453.1, residues 1116-1136): AVIFDVASII[Leu1126Val]GSKERACQLP